The following is an entry in ClinVar:

ClinVar aggregate classification (germline): Uncertain significance. Review status: criteria provided, multiple submitters, no conflicts (2 of 4 stars). 2 submissions from 2 submitters: Uncertain significance (2). Last evaluated 2025-06-07.

Allele frequency attached by ClinVar (database versions not stated): gnomAD 0.00001; TOPMed 0.00001; gnomAD exomes 0.00004.
gnomAD v4.1: 60 of 1,605,140 alleles (0.0037%); highest among the groups gnomAD compares: African/African-American, 0.0094%; no homozygotes.

Submissions (2):

Ambry Genetics
Classification: Uncertain significance. Last evaluated: 2025-06-07. Review status: criteria provided, single submitter. Criteria: Ambry Variant Classification Scheme 2023. Collection method: clinical testing. Allele origin: germline.

Labcorp Genetics (formerly Invitae), Labcorp
Classification: Uncertain significance. Last evaluated: 2024-10-30. Review status: criteria provided, single submitter. Criteria: Invitae Variant Classification Sherloc (09022015). Collection method: clinical testing. Allele origin: germline.
Comment: This sequence change replaces arginine, which is basic and polar, with histidine, which is basic and polar, at codon 312 of the FUK protein (p.Arg312His). This variant is present in population databases (no rsID available, gnomAD 0.003%). This variant has not been reported in the literature in individuals affected with FUK-related conditions. ClinVar contains an entry for this variant (Variation ID: 2896058). An algorithm developed to predict the effect of missense changes on protein structure and function outputs the following: PolyPhen-2: "Benign". The histidine amino acid residue is found in multiple mammalian species, which suggests that this missense change does not adversely affect protein function. In summary, the available evidence is currently insufficient to determine the role of this variant in disease. Therefore, it has been classified as a Variant of Uncertain Significance.

NM_145059.3(FCSK):c.935G>A (p.Arg312His)

Gene: FCSK (fucose kinase; plus strand). Cytogenetic location: 16q22.1.
Variant type: single nucleotide variant.
Coding change: c.935G>A on transcript NM_145059.3 (MANE Select); coding-DNA position 935, G replaced by A.
Protein change: p.Arg312His; replaces arginine 312 with histidine.
Molecular consequence: missense variant.
Genome position (GRCh38, 1-based): chr16:70,469,303, G>A. VCF-style: chr16-70469303-G-A. GRCh37 (hg19) VCF-style: chr16-70503206-G-A.
Other names: c.935G>A (NM_145059.2); short protein forms R312H.
Identifiers: ClinVar variation 2896058 (VCV002896058.4), dbSNP rs1485913913, ClinGen allele CA396566309.